The following is an entry in ClinVar:

ClinVar aggregate classification (germline): Uncertain significance. Review status: criteria provided, multiple submitters, no conflicts (2 of 4 stars). 2 submissions from 2 submitters: Uncertain significance (2). Last evaluated 2025-04-18.

Conditions:
Fanconi anemia (FA). Also called: Fanconi's anemia. Identifiers: Orphanet 84, MedGen C0015625, MeSH D005199, MONDO:0019391.

Allele frequency attached by ClinVar (database versions not stated): ExAC 0.00001; gnomAD exomes 0.00001.
gnomAD v4.1: 21 of 1,613,966 alleles (0.0013%); highest among the groups gnomAD compares: Non-Finnish European, 0.0017%; no homozygotes.

Submissions (2):

GeneDx
Classification: Uncertain significance. Last evaluated: 2025-04-18. Review status: criteria provided, single submitter. Criteria: GeneDx Variant Classification Process June 2021. Collection method: clinical testing. Allele origin: germline. Affected: yes.
Comment: In silico analysis supports that this missense variant has a deleterious effect on protein structure/function; Has not been previously published as pathogenic or benign to our knowledge

Labcorp Genetics (formerly Invitae), Labcorp
Classification: Uncertain significance for Fanconi anemia. Last evaluated: 2022-07-13. Review status: criteria provided, single submitter. Criteria: Invitae Variant Classification Sherloc (09022015). Collection method: clinical testing. Allele origin: germline.
Comment: This sequence change replaces serine, which is neutral and polar, with arginine, which is basic and polar, at codon 559 of the FANCI protein (p.Ser559Arg). This variant is present in population databases (rs775789044, gnomAD 0.003%). This variant has not been reported in the literature in individuals affected with FANCI-related conditions. Algorithms developed to predict the effect of missense changes on protein structure and function are either unavailable or do not agree on the potential impact of this missense change (SIFT: "Deleterious"; PolyPhen-2: "Probably Damaging"; Align-GVGD: "Class C0"). Algorithms developed to predict the effect of sequence changes on RNA splicing suggest that this variant may create or strengthen a splice site. In summary, the available evidence is currently insufficient to determine the role of this variant in disease. Therefore, it has been classified as a Variant of Uncertain Significance.

NM_001113378.2(FANCI):c.1675A>C (p.Ser559Arg)

Gene: FANCI (FA complementation group I; plus strand). Cytogenetic location: 15q26.1.
Variant type: single nucleotide variant.
Coding change: c.1675A>C on transcript NM_001113378.2 (MANE Select); coding-DNA position 1675, A replaced by C.
Protein change: p.Ser559Arg; replaces serine 559 with arginine.
Molecular consequence: missense variant.
Genome position (GRCh38, 1-based): chr15:89,283,227, A>C. VCF-style: chr15-89283227-A-C. GRCh37 (hg19) VCF-style: chr15-89826458-A-C.
Other names: c.1396A>C, p.Ser466Arg (NM_001376910.1); c.1675A>C, p.Ser559Arg (NM_001376911.1, NM_018193.3); short protein forms S466R, S559R.
Identifiers: ClinVar variation 2063139 (VCV002063139.2), dbSNP rs775789044, ClinGen allele CA7723096.
Genomic context (GRCh38, chr15:89,283,227, plus strand): 5'-GGGTTTTTGCTGCTCCTGAAGAACTTTAAAGTTTTAGGCAGCCTGTCATCCTCTCAGTGC[A>C]GTCAGTCTCTCAGTGTCAGTCAGGTAAGGATTATTTACGTTAACTTGCAGTGTGTGCGTA-3'
Protein context (NP_001106849.1, residues 549-569): VLGSLSSSQC[Ser559Arg]QSLSVSQVHV